The following is an entry in ClinVar:

ClinVar aggregate classification (germline): Uncertain significance. Review status: criteria provided, multiple submitters, no conflicts (2 of 4 stars). 2 submissions from 2 submitters: Uncertain significance (2). Last evaluated 2024-11-13.

Conditions:
Hereditary cancer-predisposing syndrome. Also called: Tumor predisposition; Neoplastic Syndromes, Hereditary; Hereditary Cancer Syndrome; Hereditary neoplastic syndrome. Identifiers: Orphanet 140162, MedGen C0027672, MeSH D009386, MONDO:0015356.

gnomAD v4.1: 1 of 1,612,962 alleles (0.000062%); highest among the groups gnomAD compares: Non-Finnish European, 0.000085%; no homozygotes.

Submissions (2):

Blueprint Genetics
Classification: Uncertain significance. Last evaluated: 2024-11-13. Review status: criteria provided, single submitter. Criteria: ACMG Guidelines, 2015. Collection method: clinical testing. Allele origin: germline.

Ambry Genetics
Classification: Uncertain significance for Hereditary cancer-predisposing syndrome. Last evaluated: 2024-08-20. Review status: criteria provided, single submitter. Criteria: Ambry Variant Classification Scheme 2023. Collection method: clinical testing. Allele origin: germline.
Comment: The p.T557N variant (also known as c.1670C>A), located in coding exon 11 of the CTNNA1 gene, results from a C to A substitution at nucleotide position 1670. The threonine at codon 557 is replaced by asparagine, an amino acid with similar properties. This amino acid position is conserved. In addition, this alteration is predicted to be tolerated by in silico analysis. Based on the available evidence, the clinical significance of this variant remains unclear.

NM_001903.5(CTNNA1):c.1670C>A (p.Thr557Asn)

Gene: CTNNA1 (catenin alpha 1; plus strand). Cytogenetic location: 5q31.2.
Variant type: single nucleotide variant.
Coding change: c.1670C>A on transcript NM_001903.5 (MANE Select); coding-DNA position 1670, C replaced by A.
Protein change: p.Thr557Asn; replaces threonine 557 with asparagine.
Molecular consequence: missense variant.
Genome position (GRCh38, 1-based): chr5:138,924,633, C>A. VCF-style: chr5-138924633-C-A. GRCh37 (hg19) VCF-style: chr5-138260322-C-A.
Other names: c.1670C>A, p.Thr557Asn (NM_001290307.3, NM_001323982.2, NM_001323983.1 and 2 more transcripts); c.1361C>A, p.Thr454Asn (NM_001290309.3); c.1301C>A, p.Thr434Asn (NM_001290310.3); c.560C>A, p.Thr187Asn (NM_001290312.1, NM_001323987.1, NM_001323988.1 and 17 more transcripts); c.1577C>A, p.Thr526Asn (NM_001323986.2); c.221C>A, p.Thr74Asn (NM_001324006.1, NM_001324007.1, NM_001324008.1 and 2 more transcripts); c.467C>A, p.Thr156Asn (NM_001324011.1); c.317C>A, p.Thr106Asn (NM_001324012.1, NM_001324013.1); short protein forms T106N, T156N, T187N, T557N, T434N, T454N, T526N, T74N.
Identifiers: ClinVar variation 3498228 (VCV003498228.2).